The following is an entry in ClinVar:

NM_001267550.2(TTN):c.54656C>T (p.Ala18219Val)

Genes: TTN (titin; minus strand), TTN-AS1 (TTN antisense RNA 1; plus strand). Cytogenetic location: 2q31.2.
Variant type: single nucleotide variant.
Coding change: c.54656C>T on transcript NM_001267550.2 (MANE Select); coding-DNA position 54656, C replaced by T.
Protein change: p.Ala18219Val; replaces alanine 18219 with valine.
Molecular consequence: missense variant.
Genome position (GRCh38, 1-based): chr2:178,604,031, G>A on the plus strand (C>T on the coding strand, the complement: TTN is on the minus strand). VCF-style: chr2-178604031-G-A. GRCh37 (hg19) VCF-style: chr2-179468758-G-A.
Other names: c.49733C>T, p.Ala16578Val (NM_001256850.1); c.27461C>T, p.Ala9154Val (NM_003319.4); c.46952C>T, p.Ala15651Val (NM_133378.4); c.27836C>T, p.Ala9279Val (NM_133432.3); c.28037C>T, p.Ala9346Val (NM_133437.4); short protein forms A18219V, A9346V, A16578V, A9154V, A9279V, A15651V.
Identifiers: ClinVar variation 1795486 (VCV001795486.2), dbSNP rs546735795, ClinGen allele CA1993594.
Genomic context (GRCh38, chr2:178,604,031, plus strand): 5'-CCTTCAAGCAAACGAGGAACATTAAATTCCACGCCTTTCAATCCCACTTTGGTTATTGGT[G>A]CTCGGCTAACACGTGACCAATAAGGACTTCCCTCTTCTCTTTTCTCCAGCCAGTAGCCAG-3'
Protein context (NP_001254479.2, residues 18209-18229): GSPYWSRVSR[Ala18219Val]PITKVGLKGV

ClinVar aggregate classification (germline): Uncertain significance (1 of 4 stars; one submission).

Conditions:
Cardiovascular phenotype. Identifiers: MedGen CN230736.

Allele frequency attached by ClinVar (database versions not stated): ExAC 0.00001; gnomAD 0.00001; 1000 Genomes Project 0.00020; 1000 Genomes Project 30x 0.00031.

Submission:

Ambry Genetics
Classification: Uncertain significance for Cardiovascular phenotype. Last evaluated: 2019-11-15. Review status: criteria provided, single submitter. Criteria: Ambry Variant Classification Scheme 2023. Collection method: clinical testing. Allele origin: germline.
Comment: The p.A9154V variant (also known as c.27461C>T), located in coding exon 109 of the TTN gene, results from a C to T substitution at nucleotide position 27461. The alanine at codon 9154 is replaced by valine, an amino acid with similar properties. This amino acid position is well conserved in available vertebrate species. In addition, this alteration is predicted to be tolerated by in silico analysis. Since supporting evidence is limited at this time, the clinical significance of this alteration remains unclear.